The following is an entry in ClinVar:

ClinVar aggregate classification (germline): Uncertain significance (1 of 4 stars; one submission).

Conditions:
CHAMP1-related disorder. Also called: CHAMP1-related condition.

gnomAD v4.1: 5 of 1,614,126 alleles (0.00031%); highest among the groups gnomAD compares: Non-Finnish European, 0.00042%; no homozygotes.

Submission:

PreventionGenetics, part of Exact Sciences
Classification: Uncertain significance for CHAMP1-related condition. Last evaluated: 2023-10-06. Review status: criteria provided, single submitter. Criteria: ACMG Guidelines, 2015. Collection method: clinical testing. Allele origin: germline.
Comment: The CHAMP1 c.476C>T variant is predicted to result in the amino acid substitution p.Pro159Leu. To our knowledge, this variant has not been reported in the literature or in a large population database, indicating this variant is rare. At this time, the clinical significance of this variant is uncertain due to the absence of conclusive functional and genetic evidence.

NM_032436.4(CHAMP1):c.476C>T (p.Pro159Leu)

Gene: CHAMP1 (chromosome alignment maintaining phosphoprotein 1; plus strand). Cytogenetic location: 13q34.
Variant type: single nucleotide variant.
Coding change: c.476C>T on transcript NM_032436.4 (MANE Select); coding-DNA position 476, C replaced by T.
Protein change: p.Pro159Leu; replaces proline 159 with leucine.
Molecular consequence: missense variant.
Genome position (GRCh38, 1-based): chr13:114,324,318, C>T. VCF-style: chr13-114324318-C-T. GRCh37 (hg19) VCF-style: chr13-115089793-C-T.
Other names: c.476C>T, p.Pro159Leu (NM_001164144.3, NM_001164145.3); short protein forms P159L.
Identifiers: ClinVar variation 2630845 (VCV002630845.1), dbSNP rs2087210017, ClinGen allele CA388846482.
Genomic context (GRCh38, chr13:114,324,318, plus strand): 5'-CAGTTTTGTCTCCAGAATCGCCAAAACCTACTCCTCTTACTCCCCTGGAGCCTCAGAAAC[C>T]TGGCTCTGTTGTTTCTCCTGAGCTACAGACACCTCTTCCTTCTCCTGAGCCTTCAAAACC-3'
Protein context (NP_115812.1, residues 149-169): TPLTPLEPQK[Pro159Leu]GSVVSPELQT